The following is an entry in ClinVar:

NM_021072.4(HCN1):c.2495G>A (p.Arg832Lys)

Gene: HCN1 (hyperpolarization activated cyclic nucleotide gated potassium channel 1; minus strand). Cytogenetic location: 5p12.
Variant type: single nucleotide variant.
Coding change: c.2495G>A on transcript NM_021072.4 (MANE Select); coding-DNA position 2495, G replaced by A.
Protein change: p.Arg832Lys; replaces arginine 832 with lysine.
Molecular consequence: missense variant.
Genome position (GRCh38, 1-based): chr5:45,262,099, C>T on the plus strand (G>A on the coding strand, the complement: HCN1 is on the minus strand). VCF-style: chr5-45262099-C-T. GRCh37 (hg19) VCF-style: chr5-45262201-C-T.
Other names: short protein forms R832K.
Identifiers: ClinVar variation 452127 (VCV000452127.12), dbSNP rs199887416, ClinGen allele CA359703229.

ClinVar aggregate classification (germline): Uncertain significance. Review status: criteria provided, multiple submitters, no conflicts (2 of 4 stars). 2 submissions from 2 submitters: Uncertain significance (2). Last evaluated 2026-08-14.

Conditions:
Early-infantile DEE. Also called: Early infantile epileptic encephalopathy with suppression bursts; Early infantile epileptic encephalopathy; Ohtahara syndrome. Identifiers: Orphanet 1934, MedGen C0393706, MONDO:0800491.

Submissions (2):

GeneDx
Classification: Uncertain significance. Last evaluated: 2026-08-14. Review status: criteria provided, single submitter. Criteria: GeneDx Variant Classification Process June 2021. Collection method: clinical testing. Allele origin: germline.
Comment: Not observed at significant frequency in large population cohorts (gnomAD); In silico analysis suggests that this missense variant does not alter protein structure/function; Has not been previously published as pathogenic or benign to our knowledge

Labcorp Genetics (formerly Invitae), Labcorp
Classification: Uncertain significance for Early-infantile DEE. Last evaluated: 2023-09-06. Review status: criteria provided, single submitter. Criteria: Invitae Variant Classification Sherloc (09022015). Collection method: clinical testing. Allele origin: germline.
Comment: In summary, the available evidence is currently insufficient to determine the role of this variant in disease. Therefore, it has been classified as a Variant of Uncertain Significance. Advanced modeling of protein sequence and biophysical properties (such as structural, functional, and spatial information, amino acid conservation, physicochemical variation, residue mobility, and thermodynamic stability) performed at Invitae indicates that this missense variant is not expected to disrupt HCN1 protein function. ClinVar contains an entry for this variant (Variation ID: 452127). This variant has not been reported in the literature in individuals affected with HCN1-related conditions. This variant is not present in population databases (gnomAD no frequency). This sequence change replaces arginine, which is basic and polar, with lysine, which is basic and polar, at codon 832 of the HCN1 protein (p.Arg832Lys).